The following is an entry in ClinVar:

ClinVar aggregate classification (germline): Benign/Likely benign. Review status: criteria provided, multiple submitters, no conflicts (2 of 4 stars). 4 submissions from 4 submitters: Benign (2); Likely benign (1). 1 of the submissions does not count toward it. Last evaluated 2026-01-29.

Conditions:
FARSB-related disorder. Also called: FARSB-related condition.

Allele frequency attached by ClinVar (database versions not stated): gnomAD exomes 0.00023 and 0.00053; ExAC 0.00067; 1000 Genomes Project 0.00140; 1000 Genomes Project 30x 0.00187; ESP Exome Variant Server 0.00192; gnomAD 0.00207 and 0.00232; TOPMed 0.00243.
gnomAD v4.1: 657 of 1,599,080 alleles (0.041%); highest among the groups gnomAD compares: African/African-American, 0.71%; 1 homozygote.

Submissions (4):

Labcorp Genetics (formerly Invitae), Labcorp
Classification: Benign. Last evaluated: 2026-01-29. Review status: criteria provided, single submitter. Criteria: Invitae Variant Classification Sherloc (09022015). Collection method: clinical testing. Allele origin: germline.

Blueprint Genetics
Classification: Likely benign. Last evaluated: 2024-10-24. Review status: criteria provided, single submitter. Criteria: ACMG Guidelines, 2015. Collection method: clinical testing. Allele origin: germline.

Breakthrough Genomics
Classification: Benign. Review status: criteria provided, single submitter. Criteria: ACMG Guidelines, 2015. Collection method: not provided. Allele origin: germline. Inheritance: Autosomal recessive inheritance. Affected: yes.

PreventionGenetics, part of Exact Sciences
Classification: Likely benign for FARSB-related condition. Last evaluated: 2019-04-10. Review status: no assertion criteria provided. Collection method: clinical testing. Allele origin: germline. Not counted in ClinVar's aggregate classification.
Comment: This variant is classified as likely benign based on ACMG/AMP sequence variant interpretation guidelines (Richards et al. 2015 PMID: 25741868, with internal and published modifications).

NM_005687.5(FARSB):c.63C>T (p.Asp21=)

Gene: FARSB (phenylalanyl-tRNA synthetase subunit beta; minus strand). Cytogenetic location: 2q36.1.
Variant type: single nucleotide variant.
Coding change: c.63C>T on transcript NM_005687.5 (MANE Select); coding-DNA position 63, C replaced by T.
Protein change: p.Asp21=; no amino-acid change (aspartic acid 21 retained).
Molecular consequence: synonymous variant. On other transcripts: non-coding transcript variant (1).
Genome position (GRCh38, 1-based): chr2:222,648,791, G>A on the plus strand (C>T on the coding strand, the complement: FARSB is on the minus strand). VCF-style: chr2-222648791-G-A. GRCh37 (hg19) VCF-style: chr2-223513510-G-A.
Other names: c.63C>T (NM_005687.4).
Identifiers: ClinVar variation 1166428 (VCV001166428.13), dbSNP rs141065703, ClinGen allele CA2136768.